The following is an entry in ClinVar:

ClinVar aggregate classification (germline): Pathogenic. Review status: criteria provided, multiple submitters, no conflicts (2 of 4 stars). 3 submissions from 3 submitters: Pathogenic (3). Last evaluated 2025-09-27.

Conditions:
Episodic ataxia type 2 (EA2). Also called: ACETAZOLAMIDE-RESPONSIVE HEREDITARY PAROXYSMAL CEREBELLAR ATAXIA; CEREBELLAR ATAXIA, PAROXYSMAL, ACETAZOLAMIDE-RESPONSIVE; CEREBELLOPATHY, HEREDITARY PAROXYSMAL; EPISODIC ATAXIA, NYSTAGMUS-ASSOCIATED; ATAXIA, EPISODIC, WITH NYSTAGMUS; ATAXIA, FAMILIAL PAROXYSMAL. Identifiers: Orphanet 97, MedGen C1720416, MONDO:0007163, OMIM 108500.
Developmental and epileptic encephalopathy, 42 (DEE42A). Also called: DEVELOPMENTAL AND EPILEPTIC ENCEPHALOPATHY 42A; EPILEPTIC ENCEPHALOPATHY, EARLY INFANTILE, 42A; Epileptic encephalopathy, early infantile, 42. Identifiers: MedGen C4310716, MONDO:0014917, OMIM 617106.

gnomAD v4.1: 1 of 1,613,878 alleles (0.000062%); no homozygotes.

Submissions (3):

Labcorp Genetics (formerly Invitae), Labcorp
Classification: Pathogenic for Developmental and epileptic encephalopathy, 42; Episodic ataxia type 2. Last evaluated: 2025-09-27. Review status: criteria provided, single submitter. Criteria: Invitae Variant Classification Sherloc (09022015). Collection method: clinical testing. Allele origin: germline.
Comment: This sequence change replaces glutamic acid, which is acidic and polar, with lysine, which is basic and polar, at codon 147 of the CACNA1A protein (p.Glu147Lys). This variant is not present in population databases (gnomAD no frequency). This missense change has been observed in individual(s) with CACNA1A-related conditions (PMID: 15483044). It has also been observed to segregate with disease in related individuals. ClinVar contains an entry for this variant (Variation ID: 585573). Invitae Evidence Modeling of protein sequence and biophysical properties (such as structural, functional, and spatial information, amino acid conservation, physicochemical variation, residue mobility, and thermodynamic stability) indicates that this missense variant is expected to disrupt CACNA1A protein function with a positive predictive value of 95%. Experimental studies have shown that this missense change affects CACNA1A function (PMID: 15483044). For these reasons, this variant has been classified as Pathogenic.

GeneDx
Classification: Pathogenic. Last evaluated: 2024-03-13. Review status: criteria provided, single submitter. Criteria: GeneDx Variant Classification Process June 2021. Collection method: clinical testing. Allele origin: germline. Affected: yes.
Comment: Published functional studies found this variant is associated with impaired calcium channel function (PMID: 15483044); Not observed at significant frequency in large population cohorts (gnomAD); In silico analysis supports that this missense variant has a deleterious effect on protein structure/function; This variant is associated with the following publications: (PMID: 15900025, 22206818, 15483044)

Athena Diagnostics
Classification: Pathogenic. Last evaluated: 2023-10-20. Review status: criteria provided, single submitter. Criteria: Athena Diagnostics Criteria. Collection method: clinical testing. Allele origin: unknown.
Comment: This variant segregates with episodic ataxia in at least one family. This variant was not reported in large, multi-ethnic, general populations. Assessment of experimental evidence suggests this variant results in abnormal protein function. (PMID: 15483044)

Literature cited by the submitters: PubMed 15483044 (cited by Labcorp Genetics (formerly Invitae), Labcorp and Athena Diagnostics).

NM_001127222.2(CACNA1A):c.439G>A (p.Glu147Lys)

Gene: CACNA1A (calcium voltage-gated channel subunit alpha1 A; minus strand). Cytogenetic location: 19p13.13.
Variant type: single nucleotide variant.
Coding change: c.439G>A on transcript NM_001127222.2 (MANE Select); coding-DNA position 439, G replaced by A.
Protein change: p.Glu147Lys; replaces glutamic acid 147 with lysine.
Molecular consequence: missense variant.
Genome position (GRCh38, 1-based): chr19:13,452,976, C>T on the plus strand (G>A on the coding strand, the complement: CACNA1A is on the minus strand). VCF-style: chr19-13452976-C-T. GRCh37 (hg19) VCF-style: chr19-13563790-C-T.
Other names: c.439G>A (NM_001127221.1); c.439G>A, p.Glu147Lys (NM_000068.4, NM_001127221.2, NM_001174080.2 and 1 more transcripts); short protein forms E147K.
Identifiers: ClinVar variation 585573 (VCV000585573.12), dbSNP rs1568659847, ClinGen allele CA404967630.